The following is an entry in ClinVar:

ClinVar aggregate classification (germline): Uncertain significance (1 of 4 stars; one submission).

Allele frequency attached by ClinVar (database versions not stated): TOPMed 0.00001.
gnomAD v4.1: 11 of 1,613,860 alleles (0.00068%); highest among the groups gnomAD compares: Admixed American, 0.0017%; no homozygotes.

Submission:

Labcorp Genetics (formerly Invitae), Labcorp
Classification: Uncertain significance. Last evaluated: 2022-09-26. Review status: criteria provided, single submitter. Criteria: Invitae Variant Classification Sherloc (09022015). Collection method: clinical testing. Allele origin: germline.
Comment: In summary, the available evidence is currently insufficient to determine the role of this variant in disease. Therefore, it has been classified as a Variant of Uncertain Significance. This sequence change falls in intron 20 of the DCHS1 gene. It does not directly change the encoded amino acid sequence of the DCHS1 protein. It affects a nucleotide within the consensus splice site. The frequency data for this variant in the population databases is considered unreliable, as metrics indicate poor data quality at this position in the gnomAD database. This variant has not been reported in the literature in individuals affected with DCHS1-related conditions. Variants that disrupt the consensus splice site are a relatively common cause of aberrant splicing (PMID: 17576681, 9536098). Algorithms developed to predict the effect of sequence changes on RNA splicing suggest that this variant is not likely to affect RNA splicing.

Literature cited by the submitters: PubMed 17576681; PubMed 9536098.

NM_003737.4(DCHS1):c.7285+4C>T

Gene: DCHS1 (dachsous cadherin-related 1; minus strand). Cytogenetic location: 11p15.4.
Variant type: single nucleotide variant.
Coding change: c.7285+4C>T on transcript NM_003737.4 (MANE Select); 4 bases into the intron after coding-DNA position 7285, C replaced by T.
Molecular consequence: intron variant.
Genome position (GRCh38, 1-based): chr11:6,624,726, G>A on the plus strand (C>T on the coding strand, the complement: DCHS1 is on the minus strand). VCF-style: chr11-6624726-G-A. GRCh37 (hg19) VCF-style: chr11-6645957-G-A.
Identifiers: ClinVar variation 2006808 (VCV002006808.4), dbSNP rs923407513, ClinGen allele CA217330105.